The following is an entry in ClinVar:

ClinVar aggregate classification (germline): Uncertain significance. Review status: criteria provided, multiple submitters, no conflicts (2 of 4 stars). 2 submissions from 2 submitters: Uncertain significance (2). Last evaluated 2024-01-03.

Conditions:
Inborn genetic diseases. Identifiers: MedGen C0950123, MeSH D030342.

Allele frequency attached by ClinVar (database versions not stated): gnomAD 0.00001; TOPMed 0.00001.
gnomAD v4.1: 9 of 1,613,988 alleles (0.00056%); highest among the groups gnomAD compares: Admixed American, 0.015%; no homozygotes.

Submissions (2):

Ambry Genetics
Classification: Uncertain significance for Inborn genetic diseases. Last evaluated: 2024-01-03. Review status: criteria provided, single submitter. Criteria: Ambry Variant Classification Scheme 2023. Collection method: clinical testing. Allele origin: germline.

Labcorp Genetics (formerly Invitae), Labcorp
Classification: Uncertain significance. Last evaluated: 2023-01-14. Review status: criteria provided, single submitter. Criteria: Invitae Variant Classification Sherloc (09022015). Collection method: clinical testing. Allele origin: germline.
Comment: In summary, the available evidence is currently insufficient to determine the role of this variant in disease. Therefore, it has been classified as a Variant of Uncertain Significance. Advanced modeling of protein sequence and biophysical properties (such as structural, functional, and spatial information, amino acid conservation, physicochemical variation, residue mobility, and thermodynamic stability) performed at Invitae indicates that this missense variant is not expected to disrupt NCSTN protein function. This variant has not been reported in the literature in individuals affected with NCSTN-related conditions. This variant is present in population databases (no rsID available, gnomAD 0.03%). This sequence change replaces alanine, which is neutral and non-polar, with serine, which is neutral and polar, at codon 48 of the NCSTN protein (p.Ala48Ser).

NM_015331.3(NCSTN):c.142G>T (p.Ala48Ser)

Gene: NCSTN (nicastrin; plus strand). Cytogenetic location: 1q23.2.
Variant type: single nucleotide variant.
Coding change: c.142G>T on transcript NM_015331.3 (MANE Select); coding-DNA position 142, G replaced by T.
Protein change: p.Ala48Ser; replaces alanine 48 with serine.
Molecular consequence: missense variant.
Genome position (GRCh38, 1-based): chr1:160,344,778, G>T. VCF-style: chr1-160344778-G-T. GRCh37 (hg19) VCF-style: chr1-160314568-G-T.
Other names: c.82G>T, p.Ala28Ser (NM_001290184.2); c.142G>T, p.Ala48Ser (NM_001290186.2, NM_001349729.2); c.142G>T (NM_015331.2); short protein forms A48S, A28S.
Identifiers: ClinVar variation 1917571 (VCV001917571.6), dbSNP rs775651944, ClinGen allele CA343275272.
Genomic context (GRCh38, chr1:160,344,778, plus strand): 5'-TCAGGTTTGTGCAGGGGAAACTCAGTGGAGAGGAAGATATATATCCCCTTAAATAAAACA[G>T]CTCCCTGTGTTCGCCTGCTCAACGCCACTCATCAGATTGGCTGCCAGTGTGAGTTGAGAT-3'
Protein context (NP_056146.1, residues 38-58): RKIYIPLNKT[Ala48Ser]PCVRLLNATH